The following is an entry in ClinVar:

ClinVar aggregate classification (germline): Uncertain significance (3 of 4 stars; one submission).

Conditions:
Monogenic diabetes. Identifiers: Orphanet 183625, MedGen C3888631, MONDO:0015967.

Submission:

ClinGen Monogenic Diabetes Variant Curation Expert Panel
Classification: Uncertain significance for Monogenic diabetes. Last evaluated: 2025-08-05. Review status: reviewed by expert panel. Criteria: ClinGen Diabetes ACMG Specifications HNF1A V3.0.0. Collection method: curation. Allele origin: germline. Inheritance: Autosomal dominant inheritance.
Comment: The c.383T>A variant in the HNF1 homeobox A gene, HNF1A, causes an amino acid change of isoleucine to asparagine at codon 128 (p.(Ile128Asn)) of NM_000545.8. This variant is located within a conserved region of the DNA binding domain (codons 107-174 and 201-280) of HNF1A, which is defined as critical for the protein’s function by the ClinGen MDEP (PM1_Supporting). This variant is also predicted to be deleterious by computational evidence, with a REVEL score of 0.967, which is greater than the MDEP VCEP threshold of 0.70 (PP3). This variant is absent in gnomAD v4.1.0 (PM2_Supporting), and was identified in one individual with non-autoimmune and non-absolute/near-absolute insulin-deficient diabetes; however, PS4_Moderate cannot be applied because this number is below the ClinGen MDEP threshold (PMID: 9075819; PMID:15928245). It is unclear whether this variant segregates with diabetes in this individual's family; the variant is not found in the proband's diabetic mother and brother; however, it is found in the proband's diabetic son, and the proband's diabetic father and paternal family members were not tested (PMID 9075819). Additionally, another missense variant, c.382A>G (p.Ile128Val) has been classified as a VUS by the ClinGen MDEP; therefore, PM5 will not be applied. In summary, c.383T>A meets the criteria to be classified as a variant of uncertain significance for monogenic diabetes. ACMG/AMP criteria applied, as specified by the ClinGen MDEP (specification version 3.0.0, approved 6/30/2025): PP3, PM1_Supporting, PM2_Supporting.

Literature cited by the submitters: PubMed 9075819; PubMed 15928245.

NM_000545.8(HNF1A):c.383T>A (p.Ile128Asn)

Gene: HNF1A (HNF1 homeobox A; plus strand). Cytogenetic location: 12q24.31.
Variant type: single nucleotide variant.
Coding change: c.383T>A on transcript NM_000545.8 (MANE Select); coding-DNA position 383, T replaced by A.
Protein change: p.Ile128Asn; replaces isoleucine 128 with asparagine.
Molecular consequence: missense variant.
Genome position (GRCh38, 1-based): chr12:120,988,889, T>A. VCF-style: chr12-120988889-T-A. GRCh37 (hg19) VCF-style: chr12-121426692-T-A.
Other names: NM_001306179.2:c.383T>A; c.383T>A, p.Ile128Asn (NM_001306179.2); short protein forms I128N.
Identifiers: ClinVar variation 1327617 (VCV001327617.4), dbSNP rs2135832570, ClinGen allele CA386959363.
Genomic context (GRCh38, chr12:120,988,889, plus strand): 5'-CCAGGGAGGACCCGTGGCGTGTGGCGAAGATGGTCAAGTCCTACCTGCAGCAGCACAACA[T>A]CCCACAGCGGGAGGTGGTCGATACCACTGGCCTCAACCAGTCCCACCTGTCCCAACACCT-3'
Protein context (NP_000536.6, residues 118-138): MVKSYLQQHN[Ile128Asn]PQREVVDTTG